The following is an entry in ClinVar:

NM_001377.3(DYNC2H1):c.10294C>T (p.Gln3432Ter)

Gene: DYNC2H1 (dynein cytoplasmic 2 heavy chain 1; plus strand). Cytogenetic location: 11q22.3.
Variant type: single nucleotide variant.
Coding change: c.10294C>T on transcript NM_001377.3 (MANE Select); coding-DNA position 10294, C replaced by T.
Protein change: p.Gln3432Ter; replaces glutamine 3432 with a stop codon.
Molecular consequence: nonsense.
Genome position (GRCh38, 1-based): chr11:103,255,502, C>T. VCF-style: chr11-103255502-C-T. GRCh37 (hg19) VCF-style: chr11-103126231-C-T.
Other names: c.10315C>T, p.Gln3439Ter (NM_001080463.2); short protein forms Q3432*, Q3439*.
Identifiers: ClinVar variation 2760553 (VCV002760553.3), dbSNP rs867836657, ClinGen allele CA382249358.

ClinVar aggregate classification (germline): Pathogenic (1 of 4 stars; one submission).

Conditions:
Jeune thoracic dystrophy. Also called: Jeune syndrome; Infantile thoracic dystrophy; Thoracic pelvic phalangeal dystrophy; Jeune's syndrome; Chondroectodermal dysplasia-like syndrome; Short-rib thoracic dysplasia. Identifiers: Orphanet 474, MedGen C0265275, MONDO:0018770.

Allele frequency attached by ClinVar (database versions not stated): gnomAD exomes below 0.00001.
gnomAD v4.1: 2 of 1,561,404 alleles (0.00013%); highest among the groups gnomAD compares: Non-Finnish European, 0.00017%; no homozygotes.

Submission:

Labcorp Genetics (formerly Invitae), Labcorp
Classification: Pathogenic for Jeune thoracic dystrophy. Last evaluated: 2023-09-13. Review status: criteria provided, single submitter. Criteria: Invitae Variant Classification Sherloc (09022015). Collection method: clinical testing. Allele origin: germline.
Comment: For these reasons, this variant has been classified as Pathogenic. This variant has not been reported in the literature in individuals affected with DYNC2H1-related conditions. The frequency data for this variant in the population databases is considered unreliable, as metrics indicate poor data quality at this position in the gnomAD database. This sequence change creates a premature translational stop signal (p.Gln3439*) in the DYNC2H1 gene. It is expected to result in an absent or disrupted protein product. Loss-of-function variants in DYNC2H1 are known to be pathogenic (PMID: 23339108, 32753734, 33755199).

Literature cited by the submitters: PubMed 23339108; PubMed 32753734; PubMed 33755199.